The following is an entry in ClinVar:

ClinVar aggregate classification (germline): Uncertain significance (1 of 4 stars; one submission).

Conditions:
Autosomal dominant hypocalcemia 1 (HYPOC1). Also called: HYPOCALCEMIA, FAMILIAL. Identifiers: MedGen C3715128, MONDO:0011013, OMIM 601198.
Familial hypocalciuric hypercalcemia (FHH). Also called: Familial benign hypercalcemia. Identifiers: Orphanet 405, MedGen C1809471, MONDO:0018458.

Submission:

Labcorp Genetics (formerly Invitae), Labcorp
Classification: Uncertain significance for Familial hypocalciuric hypercalcemia; Autosomal dominant hypocalcemia 1. Last evaluated: 2016-11-18. Review status: criteria provided, single submitter. Criteria: Invitae Variant Classification Sherloc (09022015). Collection method: clinical testing. Allele origin: germline.
Comment: In summary, this variant is a novel missense change that is not predicted to affect protein function. There is no indication that it causes disease, but the available evidence is currently insufficient to prove that conclusively. Therefore, it has been classified as a Variant of Uncertain Significance. Algorithms developed to predict the effect of missense changes on protein structure and function (SIFT, PolyPhen-2, Align-GVGD) all suggest that this variant is likely to be tolerated, but these predictions have not been confirmed by published functional studies. This variant is not present in population databases (ExAC no frequency) and has not been reported in the literature in individuals with a CASR-related disease. This sequence change replaces cysteine with glycine at codon 568 of the CASR protein (p.Cys568Gly). The cysteine residue is highly conserved and there is a large physicochemical difference between cysteine and glycine.

NM_000388.4(CASR):c.1702T>G (p.Cys568Gly)

Gene: CASR (calcium sensing receptor; plus strand). Cytogenetic location: 3q21.1.
Variant type: single nucleotide variant.
Coding change: c.1702T>G on transcript NM_000388.4 (MANE Select); coding-DNA position 1702, T replaced by G.
Protein change: p.Cys568Gly; replaces cysteine 568 with glycine.
Molecular consequence: missense variant.
Genome position (GRCh38, 1-based): chr3:122,282,206, T>G. VCF-style: chr3-122282206-T-G. GRCh37 (hg19) VCF-style: chr3-122001053-T-G.
Other names: c.1732T>G, p.Cys578Gly (NM_001178065.2); short protein forms C568G, C578G.
Identifiers: ClinVar variation 410335 (VCV000410335.10), dbSNP rs1060502851, ClinGen allele CA16611311.